The following is an entry in ClinVar:

NM_001046.3(SLC12A2):c.489A>T (p.Gly163=)

Gene: SLC12A2 (solute carrier family 12 member 2; plus strand). Cytogenetic location: 5q23.3.
Variant type: single nucleotide variant.
Coding change: c.489A>T on transcript NM_001046.3 (MANE Select); coding-DNA position 489, A replaced by T.
Protein change: p.Gly163=; no amino-acid change (glycine 163 retained).
Molecular consequence: synonymous variant. On other transcripts: non-coding transcript variant (1).
Genome position (GRCh38, 1-based): chr5:128,084,443, A>T. VCF-style: chr5-128084443-A-T. GRCh37 (hg19) VCF-style: chr5-127420135-A-T.
Other names: c.489A>T (NM_001046.2); c.489A>T, p.Gly163= (NM_001256461.2).
Identifiers: ClinVar variation 1658791 (VCV001658791.9), dbSNP rs201022814, ClinGen allele CA3392817.
Genomic context (GRCh38, chr5:128,084,443, plus strand): 5'-CGTGGACCCAGCTGCCTCCTCGTCGGCTGAAGACAGCCTGTCAGATGCTGCCGGGGTCGG[A>T]GTCGACGGGCCCAACGTGAGCTTCCAGAACGGCGGGGACACGGTGCTGAGCGAGGGCAGC-3'
Protein context (NP_001037.1, residues 153-173): EDSLSDAAGV[Gly163=]VDGPNVSFQN

ClinVar aggregate classification (germline): Likely benign. Review status: criteria provided, multiple submitters, no conflicts (2 of 4 stars). 2 submissions from 2 submitters: Likely benign (2). Last evaluated 2026-07-21.

Conditions:
SLC12A2-related disorder. Also called: SLC12A2-related disorders; SLC12A2-related condition.

Allele frequency attached by ClinVar (database versions not stated): gnomAD 0.00013 and 0.00015; gnomAD exomes 0.00013 and 0.00021; ExAC 0.00015; ESP Exome Variant Server 0.00015; 1000 Genomes Project 0.00020; TOPMed 0.00026; 1000 Genomes Project 30x 0.00031.
gnomAD v4.1: 329 of 1,612,410 alleles (0.02%); highest among the groups gnomAD compares: Non-Finnish European, 0.026%; no homozygotes.

Submissions (2):

PreventionGenetics, part of Exact Sciences
Classification: Likely benign for SLC12A2-related condition. Last evaluated: 2026-07-21. Review status: criteria provided, single submitter. Criteria: ACMG Guidelines, 2015. Collection method: clinical testing. Allele origin: germline.
Comment: This variant is classified as likely benign based on ACMG/AMP sequence variant interpretation guidelines (Richards et al. 2015 PMID: 25741868, with internal and published modifications).

Labcorp Genetics (formerly Invitae), Labcorp
Classification: Likely benign. Last evaluated: 2025-11-25. Review status: criteria provided, single submitter. Criteria: Invitae Variant Classification Sherloc (09022015). Collection method: clinical testing. Allele origin: germline.